The following is an entry in ClinVar:

ClinVar aggregate classification (germline): Likely benign. Review status: criteria provided, single submitter (1 of 4 stars). 2 submissions from 2 submitters: Likely benign (1). 1 of the submissions does not count toward it. Last evaluated 2023-05-07.

Conditions:
PCNT-related disorder. Also called: PCNT-related condition.

Allele frequency attached by ClinVar (database versions not stated): gnomAD exomes below 0.00001; ExAC 0.00001.
gnomAD v4.1: 6 of 1,582,994 alleles (0.00038%); highest among the groups gnomAD compares: Non-Finnish European, 0.00043%; no homozygotes.

Submissions (2):

Labcorp Genetics (formerly Invitae), Labcorp
Classification: Likely benign. Last evaluated: 2023-05-07. Review status: criteria provided, single submitter. Criteria: Invitae Variant Classification Sherloc (09022015). Collection method: clinical testing. Allele origin: germline.

PreventionGenetics, part of Exact Sciences
Classification: Likely benign for PCNT-related condition. Last evaluated: 2022-01-27. Review status: no assertion criteria provided. Collection method: clinical testing. Allele origin: germline. Not counted in ClinVar's aggregate classification.
Comment: This variant is classified as likely benign based on ACMG/AMP sequence variant interpretation guidelines (Richards et al. 2015 PMID: 25741868, with internal and published modifications).

NM_006031.6(PCNT):c.9624-10T>C

Gene: PCNT (pericentrin; plus strand). Cytogenetic location: 21q22.3.
Variant type: single nucleotide variant.
Coding change: c.9624-10T>C on transcript NM_006031.6 (MANE Select); 10 bases into the intron before coding-DNA position 9624, T replaced by C.
Molecular consequence: intron variant.
Genome position (GRCh38, 1-based): chr21:46,442,487, T>C. VCF-style: chr21-46442487-T-C. GRCh37 (hg19) VCF-style: chr21-47862400-T-C.
Other names: c.9033-10T>C (NM_001315529.2); c.9624-10T>C (NM_006031.5).
Identifiers: ClinVar variation 2827692 (VCV002827692.4), dbSNP rs762636949, ClinGen allele CA10081395.